The following is an entry in ClinVar:

NM_000264.5(PTCH1):c.1006del (p.His336fs)

Gene: PTCH1 (patched 1; minus strand). Cytogenetic location: 9q22.32.
Variant type: Deletion.
Coding change: c.1006del on transcript NM_000264.5 (MANE Select); coding-DNA position 1006, one base deleted (C; older notation c.1006delC).
Protein change: p.His336fs; shifts the reading frame from histidine 336.
Molecular consequence: frameshift variant. On other transcripts: non-coding transcript variant (1).
Genome position (GRCh38, 1-based): chr9:95,480,030, G deleted on the plus strand (C on the coding strand, the reverse complement: PTCH1 is on the minus strand). VCF-style (leftmost placement, unchanged base first): chr9-95480029-TG-T. GRCh37 (hg19) VCF-style: chr9-98242311-TG-T.
Other names: c.808del, p.His270fs (NM_001083602.3); c.1003del, p.His335fs (NM_001083603.3); c.553del, p.His185fs (NM_001083604.3, NM_001083605.3, NM_001083606.3 and 1 more transcripts); c.1006del, p.His336fs (NM_001354918.2); short protein forms H185fs, H270fs, H335fs, H336fs.
Identifiers: ClinVar variation 1453613 (VCV001453613.6), dbSNP rs2118392260, ClinGen allele CA2573144888.

ClinVar aggregate classification (germline): Pathogenic (1 of 4 stars; one submission).

Conditions:
Gorlin syndrome. Also called: Nevoid Basal Cell Carcinoma Syndrome; Basal cell nevus syndrome. Identifiers: Orphanet 377, MedGen C0004779, MONDO:0007187.

Submission:

Labcorp Genetics (formerly Invitae), Labcorp
Classification: Pathogenic for Gorlin syndrome. Last evaluated: 2021-06-14. Review status: criteria provided, single submitter. Criteria: Invitae Variant Classification Sherloc (09022015). Collection method: clinical testing. Allele origin: germline.
Comment: For these reasons, this variant has been classified as Pathogenic. This variant has not been reported in the literature in individuals with PTCH1-related conditions. This variant is not present in population databases (ExAC no frequency). This sequence change creates a premature translational stop signal (p.His336Thrfs*6) in the PTCH1 gene. It is expected to result in an absent or disrupted protein product. Loss-of-function variants in PTCH1 are known to be pathogenic (PMID: 16301862, 16419085).

Literature cited by the submitters: PubMed 16301862; PubMed 16419085.